The following is an entry in ClinVar:

ClinVar aggregate classification (germline): Uncertain significance (1 of 4 stars; one submission).

Allele frequency attached by ClinVar (database versions not stated): ExAC 0.00001; TOPMed 0.00001; gnomAD 0.00003.
gnomAD v4.1: 39 of 1,614,116 alleles (0.0024%); highest among the groups gnomAD compares: Non-Finnish European, 0.0031%; no homozygotes.

Submission:

Labcorp Genetics (formerly Invitae), Labcorp
Classification: Uncertain significance. Last evaluated: 2024-10-17. Review status: criteria provided, single submitter. Criteria: Invitae Variant Classification Sherloc (09022015). Collection method: clinical testing. Allele origin: germline.
Comment: This sequence change replaces glutamic acid, which is acidic and polar, with lysine, which is basic and polar, at codon 102 of the CDCA7 protein (p.Glu102Lys). The frequency data for this variant in the population databases is considered unreliable, as metrics indicate poor data quality at this position in the gnomAD database. This variant has not been reported in the literature in individuals affected with CDCA7-related conditions. ClinVar contains an entry for this variant (Variation ID: 2079417). An algorithm developed to predict the effect of missense changes on protein structure and function outputs the following: PolyPhen-2: "Benign". The lysine amino acid residue is found in multiple mammalian species, which suggests that this missense change does not adversely affect protein function. In summary, the available evidence is currently insufficient to determine the role of this variant in disease. Therefore, it has been classified as a Variant of Uncertain Significance.

NM_031942.5(CDCA7):c.304G>A (p.Glu102Lys)

Gene: CDCA7 (cell division cycle associated 7; plus strand). Cytogenetic location: 2q31.1.
Variant type: single nucleotide variant.
Coding change: c.304G>A on transcript NM_031942.5 (MANE Select); coding-DNA position 304, G replaced by A.
Protein change: p.Glu102Lys; replaces glutamic acid 102 with lysine.
Molecular consequence: missense variant. On other transcripts: intron variant (1).
Genome position (GRCh38, 1-based): chr2:173,359,411, G>A. VCF-style: chr2-173359411-G-A. GRCh37 (hg19) VCF-style: chr2-174224139-G-A.
Other names: c.147+574G>A (NM_145810.3); short protein forms E102K.
Identifiers: ClinVar variation 2079417 (VCV002079417.4), dbSNP rs771816691, ClinGen allele CA1971198.
Genomic context (GRCh38, chr2:173,359,411, plus strand): 5'-GTGCAAGATGTATTAGACCATTGTGGATTTTTACAGAAACCAAGGCCAGATGTCACTAAC[G>A]AACTGGCCGGTATTTTTCATGCCGACTCTGACGATGAATCATTTTGCGGTTTCTCAGAGA-3'
Protein context (NP_114148.3, residues 92-112): LQKPRPDVTN[Glu102Lys]LAGIFHADSD